The following is an entry in ClinVar:

NM_003737.4(DCHS1):c.7192G>A (p.Val2398Ile)

Gene: DCHS1 (dachsous cadherin-related 1; minus strand). Cytogenetic location: 11p15.4.
Variant type: single nucleotide variant.
Coding change: c.7192G>A on transcript NM_003737.4 (MANE Select); coding-DNA position 7192, G replaced by A.
Protein change: p.Val2398Ile; replaces valine 2398 with isoleucine.
Molecular consequence: missense variant.
Genome position (GRCh38, 1-based): chr11:6,624,823, C>T on the plus strand (G>A on the coding strand, the complement: DCHS1 is on the minus strand). VCF-style: chr11-6624823-C-T. GRCh37 (hg19) VCF-style: chr11-6646054-C-T.
Other names: c.7192G>A (NM_003737.2); short protein forms V2398I.
Identifiers: ClinVar variation 2573901 (VCV002573901.4), dbSNP rs145939548, ClinGen allele CA5859661.

ClinVar aggregate classification (germline): Uncertain significance. Review status: criteria provided, multiple submitters, no conflicts (2 of 4 stars). 3 submissions from 3 submitters: Uncertain significance (3). Last evaluated 2025-12-25.

Conditions:
Inborn genetic diseases. Identifiers: MedGen C0950123, MeSH D030342.

gnomAD v4.1: 28 of 1,613,872 alleles (0.0017%); highest among the groups gnomAD compares: South Asian, 0.022%; no homozygotes.

Submissions (3):

Labcorp Genetics (formerly Invitae), Labcorp
Classification: Uncertain significance. Last evaluated: 2025-12-25. Review status: criteria provided, single submitter. Criteria: Invitae Variant Classification Sherloc (09022015). Collection method: clinical testing. Allele origin: germline.
Comment: This sequence change replaces valine, which is neutral and non-polar, with isoleucine, which is neutral and non-polar, at codon 2398 of the DCHS1 protein (p.Val2398Ile). This variant is present in population databases (rs145939548, gnomAD 0.01%). This variant has not been reported in the literature in individuals affected with DCHS1-related conditions. ClinVar contains an entry for this variant (Variation ID: 2573901). Invitae Evidence Modeling of protein sequence and biophysical properties (such as structural, functional, and spatial information, amino acid conservation, physicochemical variation, residue mobility, and thermodynamic stability) indicates that this missense variant is not expected to disrupt DCHS1 protein function with a negative predictive value of 80%. In summary, the available evidence is currently insufficient to determine the role of this variant in disease. Therefore, it has been classified as a Variant of Uncertain Significance.

Ambry Genetics
Classification: Uncertain significance for Inborn genetic diseases. Last evaluated: 2024-02-26. Review status: criteria provided, single submitter. Criteria: Ambry Variant Classification Scheme 2023. Collection method: clinical testing. Allele origin: germline.

GeneDx
Classification: Uncertain significance. Last evaluated: 2023-07-19. Review status: criteria provided, single submitter. Criteria: GeneDx Variant Classification Process June 2021. Collection method: clinical testing. Allele origin: germline. Affected: yes.
Comment: In silico analysis supports that this missense variant does not alter protein structure/function; Has not been previously published as pathogenic or benign to our knowledge